The following is an entry in ClinVar:

ClinVar aggregate classification (germline): Uncertain significance (1 of 4 stars; one submission).

Conditions:
Emery-Dreifuss muscular dystrophy 5, autosomal dominant (EDMD5). Also called: EMERY-DREIFUSS MUSCULAR DYSTROPHY 5. Identifiers: Orphanet 261, MedGen C2751805, MONDO:0013072, OMIM 612999.

Submission:

Labcorp Genetics (formerly Invitae), Labcorp
Classification: Uncertain significance for Emery-Dreifuss muscular dystrophy 5, autosomal dominant. Last evaluated: 2021-08-30. Review status: criteria provided, single submitter. Criteria: Invitae Variant Classification Sherloc (09022015). Collection method: clinical testing. Allele origin: germline.
Comment: This variant has not been reported in the literature in individuals affected with SYNE2-related conditions. In summary, the available evidence is currently insufficient to determine the role of this variant in disease. Therefore, it has been classified as a Variant of Uncertain Significance. Algorithms developed to predict the effect of missense changes on protein structure and function (SIFT, PolyPhen-2, Align-GVGD) all suggest that this variant is likely to be tolerated. This variant is not present in population databases (ExAC no frequency). This sequence change replaces lysine with arginine at codon 1379 of the SYNE2 protein (p.Lys1379Arg). The lysine residue is weakly conserved and there is a small physicochemical difference between lysine and arginine.

NM_182914.3(SYNE2):c.4136A>G (p.Lys1379Arg)

Gene: SYNE2 (spectrin repeat containing nuclear envelope protein 2; plus strand). Cytogenetic location: 14q23.2.
Variant type: single nucleotide variant.
Coding change: c.4136A>G on transcript NM_182914.3 (MANE Select); coding-DNA position 4136, A replaced by G.
Protein change: p.Lys1379Arg; replaces lysine 1379 with arginine.
Molecular consequence: missense variant.
Genome position (GRCh38, 1-based): chr14:64,003,069, A>G. VCF-style: chr14-64003069-A-G. GRCh37 (hg19) VCF-style: chr14-64469787-A-G.
Other names: c.4136A>G, p.Lys1379Arg (NM_015180.6); short protein forms K1379R.
Identifiers: ClinVar variation 1349977 (VCV001349977.6), dbSNP rs2153505913, ClinGen allele CA389998784.